The following is an entry in ClinVar:

NM_001768.7(CD8A):c.331G>T (p.Gly111Cys)

Gene: CD8A (CD8 subunit alpha; minus strand). Cytogenetic location: 2p11.2.
Variant type: single nucleotide variant.
Coding change: c.331G>T on transcript NM_001768.7 (MANE Select); coding-DNA position 331, G replaced by T.
Protein change: p.Gly111Cys; replaces glycine 111 with cysteine.
Molecular consequence: missense variant. On other transcripts: non-coding transcript variant (3).
Genome position (GRCh38, 1-based): chr2:86,790,400, C>A on the plus strand (G>T on the coding strand, the complement: CD8A is on the minus strand). VCF-style: chr2-86790400-C-A. GRCh37 (hg19) VCF-style: chr2-87017523-C-A.
Other names: c.331G>T, p.Gly111Cys (NM_001145873.1, NM_001382698.1, NM_171827.4); short protein forms G111C.
Identifiers: ClinVar variation 4711531 (VCV004711531.1).

ClinVar aggregate classification (germline): Uncertain significance (1 of 4 stars; one submission).

Conditions:
Susceptibility to respiratory infections associated with CD8alpha chain mutation (IMD116). Also called: Cd8 deficiency, familial; IMMUNODEFICIENCY 116. Identifiers: Orphanet 169085, MedGen C1837065, MONDO:0012161, OMIM 608957.

Submission:

Labcorp Genetics (formerly Invitae), Labcorp
Classification: Uncertain significance for Susceptibility to respiratory infections associated with CD8alpha chain mutation. Last evaluated: 2025-12-03. Review status: criteria provided, single submitter. Criteria: Invitae Variant Classification Sherloc (09022015). Collection method: clinical testing. Allele origin: germline.
Comment: This sequence change replaces glycine, which is neutral and non-polar, with cysteine, which is neutral and slightly polar, at codon 111 of the CD8A protein (p.Gly111Cys). This variant is not present in population databases (gnomAD no frequency). This variant has not been reported in the literature in individuals affected with CD8A-related conditions. An algorithm developed to predict the effect of missense changes on protein structure and function (PolyPhen-2) suggests that this variant is likely to be disruptive. This variant disrupts the p.Gly111 amino acid residue in CD8A. Other variant(s) that disrupt this residue have been determined to be pathogenic (PMID: 11435463, 17658607, 26563160). This suggests that this residue is clinically significant, and that variants that disrupt this residue are likely to be disease-causing. In summary, the available evidence is currently insufficient to determine the role of this variant in disease. Therefore, it has been classified as a Variant of Uncertain Significance.

Literature cited by the submitters: PubMed 11435463; PubMed 17658607; PubMed 26563160.